The following is an entry in ClinVar:

ClinVar aggregate classification (germline): Conflicting classifications of pathogenicity. Review status: criteria provided, conflicting classifications (1 of 4 stars). 3 submissions from 3 submitters: Uncertain significance (2); Likely benign (1). Last evaluated 2025-01-23.

Conditions:
Hereditary cancer-predisposing syndrome. Also called: Tumor predisposition; Hereditary Cancer Syndrome; Neoplastic Syndromes, Hereditary; Hereditary neoplastic syndrome. Identifiers: Orphanet 140162, MedGen C0027672, MeSH D009386, MONDO:0015356.
Hereditary breast ovarian cancer syndrome. Also called: Hereditary breast and ovarian cancer; Breast and ovarian cancer; Hereditary breast and/or ovarian cancer syndrome; Hereditary breast and ovarian cancer syndrome; BRCA1- and BRCA2-Associated Hereditary Breast and Ovarian Cancer; Hereditary breast and ovarian cancer syndrome (HBOC). Identifiers: Orphanet 145, MedGen C0677776, MeSH D061325, MONDO:0003582. Disease mechanism: loss of function.

Allele frequency attached by ClinVar (database versions not stated): gnomAD exomes below 0.00001.
gnomAD v4.1: 3 of 1,613,874 alleles (0.00019%); highest among the groups gnomAD compares: South Asian, 0.0011%; no homozygotes.

Submissions (3):

Ambry Genetics
Classification: Uncertain significance for Hereditary cancer-predisposing syndrome. Last evaluated: 2025-01-23. Review status: criteria provided, single submitter. Criteria: Ambry Variant Classification Scheme 2023. Collection method: clinical testing. Allele origin: germline.
Comment: The p.S1050T variant (also known as c.3149G>C), located in coding exon 9 of the BRCA1 gene, results from a G to C substitution at nucleotide position 3149. The serine at codon 1050 is replaced by threonine, an amino acid with similar properties. This variant was detected in 1 of 1197 individuals diagnosed with breast cancer who underwent genetic testing (Abdel-Razeq H et al. Front Oncol, 2022 Mar;12:673094). This amino acid position is well conserved in available vertebrate species. In addition, the in silico prediction for this alteration is inconclusive. Based on the available evidence, the clinical significance of this variant remains unclear.

Labcorp Genetics (formerly Invitae), Labcorp
Classification: Uncertain significance for Hereditary breast ovarian cancer syndrome. Last evaluated: 2023-04-14. Review status: criteria provided, single submitter. Criteria: Invitae Variant Classification Sherloc (09022015). Collection method: clinical testing. Allele origin: germline.
Comment: Advanced modeling of protein sequence and biophysical properties (such as structural, functional, and spatial information, amino acid conservation, physicochemical variation, residue mobility, and thermodynamic stability) performed at Invitae indicates that this missense variant is not expected to disrupt BRCA1 protein function. In summary, the available evidence is currently insufficient to determine the role of this variant in disease. Therefore, it has been classified as a Variant of Uncertain Significance. This variant is not present in population databases (gnomAD no frequency). This sequence change replaces serine, which is neutral and polar, with threonine, which is neutral and polar, at codon 1050 of the BRCA1 protein (p.Ser1050Thr). This variant has not been reported in the literature in individuals affected with BRCA1-related conditions. ClinVar contains an entry for this variant (Variation ID: 822994).

University of Washington Department of Laboratory Medicine, University of Washington
Classification: Likely benign for Hereditary cancer-predisposing syndrome. Last evaluated: 2023-03-23. Review status: criteria provided, single submitter. Criteria: Dines et al. (Genet Med. 2020). Collection method: curation. Allele origin: germline.
Comment: Missense variant in a coldspot region where missense variants are very unlikely to be pathogenic (PMID:31911673).

BRCA1 coldspot (exon 11 using historical exon numbering). Reclassification based on statistical prior probability

Literature cited by the submitters: PubMed 35402282 (cited by Ambry Genetics).

NM_007294.4(BRCA1):c.3149G>C (p.Ser1050Thr)

Gene: BRCA1 (BRCA1 DNA repair associated; minus strand). Cytogenetic location: 17q21.31.
Variant type: single nucleotide variant.
Coding change: c.3149G>C on transcript NM_007294.4 (MANE Select); coding-DNA position 3149, G replaced by C.
Protein change: p.Ser1050Thr; replaces serine 1050 with threonine.
Molecular consequence: missense variant. On other transcripts: intron variant (137).
Genome position (GRCh38, 1-based): chr17:43,092,382, C>G on the plus strand (G>C on the coding strand, the complement: BRCA1 is on the minus strand). VCF-style: chr17-43092382-C-G. GRCh37 (hg19) VCF-style: chr17-41244399-C-G.
Other names: c.3146G>C, p.Ser1049Thr (NM_001407591.1, NM_001407610.1, NM_001407611.1 and 22 more transcripts); c.3149G>C, p.Ser1050Thr (NM_001407593.1, NM_001407594.1, NM_001407596.1 and 30 more transcripts); c.3140G>C, p.Ser1047Thr (NM_001407646.1, NM_001407647.1); c.3026G>C, p.Ser1009Thr (NM_001407648.1, NM_001407664.1, NM_001407665.1 and 19 more transcripts); c.3023G>C, p.Ser1008Thr (NM_001407649.1, NM_001407670.1, NM_001407671.1 and 11 more transcripts); c.3071G>C, p.Ser1024Thr (NM_001407653.1, NM_001407654.1, NM_001407655.1 and 4 more transcripts); c.3068G>C, p.Ser1023Thr (NM_001407659.1, NM_001407660.1, NM_001407661.1 and 1 more transcripts); c.3008G>C, p.Ser1003Thr (NM_001407692.1, NM_001407694.1, NM_001407695.1 and 29 more transcripts); and 41 more; short protein forms S1003T, S1050T, S1049T, S939T, S754T, S882T, S923T, S961T.
Identifiers: ClinVar variation 822994 (VCV000822994.14), dbSNP rs1597865440, ClinGen allele CA10595684.
Genomic context (GRCh38, chr17:43,092,382, plus strand): 5'-GCTTGAATGTTTTCATCACTGGAACCTATTTCATTAATACTGGAGCCCACTTCATTAGTA[C>G]TGGAACCTACTTCATTAATATTGCTTGAGCTGGCTTCTTTAAAAACATTTTCTCTAATGT-3'
Protein context (NP_009225.1, residues 1040-1060): SSSNINEVGS[Ser1050Thr]TNEVGSSINE